The following is an entry in ClinVar:

ClinVar aggregate classification (germline): Uncertain significance (1 of 4 stars; one submission).

Submission:

Labcorp Genetics (formerly Invitae), Labcorp
Classification: Uncertain significance. Last evaluated: 2025-02-26. Review status: criteria provided, single submitter. Criteria: Invitae Variant Classification Sherloc (09022015). Collection method: clinical testing. Allele origin: germline.
Comment: This sequence change falls in intron 5 of the SMARCB1 gene. It does not directly change the encoded amino acid sequence of the SMARCB1 protein. This variant is not present in population databases (gnomAD no frequency). This variant has not been reported in the literature in individuals affected with SMARCB1-related conditions. Studies have shown that this variant is associated with inconclusive levels of altered splicing (internal data). In summary, the available evidence is currently insufficient to determine the role of this variant in disease. Therefore, it has been classified as a Variant of Uncertain Significance.

NM_003073.5(SMARCB1):c.628+9C>T

Gene: SMARCB1 (SWI/SNF related BAF chromatin remodeling complex subunit B1; plus strand). Cytogenetic location: 22q11.23.
Variant type: single nucleotide variant.
Coding change: c.628+9C>T on transcript NM_003073.5 (MANE Select); 9 bases into the intron after coding-DNA position 628, C replaced by T.
Molecular consequence: intron variant.
Genome position (GRCh38, 1-based): chr22:23,803,431, C>T. VCF-style: chr22-23803431-C-T. GRCh37 (hg19) VCF-style: chr22-24145618-C-T.
Other names: c.682+9C>T (NM_001362877.2); c.655+9C>T (NM_001317946.2); c.601+9C>T (NM_001007468.3).
Identifiers: ClinVar variation 4698558 (VCV004698558.1).